The following is an entry in ClinVar:

NM_001367624.2(ZNF469):c.3768G>A (p.Met1256Ile)

Gene: ZNF469 (zinc finger protein 469; plus strand). Cytogenetic location: 16q24.2.
Variant type: single nucleotide variant.
Coding change: c.3768G>A on transcript NM_001367624.2 (MANE Select); coding-DNA position 3768, G replaced by A.
Protein change: p.Met1256Ile; replaces methionine 1256 with isoleucine.
Molecular consequence: missense variant.
Genome position (GRCh38, 1-based): chr16:88,431,238, G>A. VCF-style: chr16-88431238-G-A. GRCh37 (hg19) VCF-style: chr16-88497646-G-A.
Other names: short protein forms M1256I.
Identifiers: ClinVar variation 4537071 (VCV004537071.1).

ClinVar aggregate classification (germline): Uncertain significance (1 of 4 stars; one submission).

Submission:

Women's Health and Genetics/Laboratory Corporation of America, LabCorp
Classification: Uncertain significance. Last evaluated: 2025-11-04. Review status: criteria provided, single submitter. Criteria: LabCorp Variant Classification Summary - May 2015. Collection method: clinical testing. Allele origin: germline.
Comment: Variant summary: ZNF469 c.3768G>A (p.Met1256Ile) results in a conservative amino acid change in the encoded protein sequence. Algorithms developed to predict the effect of missense changes on protein structure and function are either unavailable or do not agree on the potential impact of this missense change. The variant allele was found at a frequency of 6.6e-06 in 152226 control chromosomes. The available data on variant occurrences in the general population are insufficient to allow any conclusion about variant significance. To our knowledge, no occurrence of c.3768G>A in individuals affected with ZNF469-related conditions and no experimental evidence demonstrating its impact on protein function have been reported. No submitters have cited clinical-significance assessments for this variant to ClinVar. Based on the evidence outlined above, the variant was classified as uncertain significance.